The following is an entry in ClinVar:

NM_025103.4(IFT74):c.875T>C (p.Ile292Thr)

Gene: IFT74 (intraflagellar transport 74; plus strand). Cytogenetic location: 9p21.2.
Variant type: single nucleotide variant.
Coding change: c.875T>C on transcript NM_025103.4 (MANE Select); coding-DNA position 875, T replaced by C.
Protein change: p.Ile292Thr; replaces isoleucine 292 with threonine.
Molecular consequence: missense variant.
Genome position (GRCh38, 1-based): chr9:27,016,992, T>C. VCF-style: chr9-27016992-T-C. GRCh37 (hg19) VCF-style: chr9-27016990-T-C.
Other names: c.875T>C, p.Ile292Thr (NM_001099222.3, NM_001099223.3, NM_001099224.3 and 1 more transcripts); short protein forms I292T.
Identifiers: ClinVar variation 2190383 (VCV002190383.4), dbSNP rs1251304960, ClinGen allele CA373119661.

ClinVar aggregate classification (germline): Uncertain significance (1 of 4 stars; one submission).

Allele frequency attached by ClinVar (database versions not stated): gnomAD exomes below 0.00001; gnomAD 0.00001; TOPMed 0.00001.
gnomAD v4.1: 3 of 1,610,960 alleles (0.00019%); highest among the groups gnomAD compares: African/African-American, 0.0013%; no homozygotes.

Submission:

Labcorp Genetics (formerly Invitae), Labcorp
Classification: Uncertain significance. Last evaluated: 2022-03-02. Review status: criteria provided, single submitter. Criteria: Invitae Variant Classification Sherloc (09022015). Collection method: clinical testing. Allele origin: germline.
Comment: In summary, the available evidence is currently insufficient to determine the role of this variant in disease. Therefore, it has been classified as a Variant of Uncertain Significance. Algorithms developed to predict the effect of missense changes on protein structure and function are either unavailable or do not agree on the potential impact of this missense change (SIFT: "Deleterious"; PolyPhen-2: "Benign"; Align-GVGD: "Class C25"). This variant has not been reported in the literature in individuals affected with IFT74-related conditions. This variant is not present in population databases (gnomAD no frequency). This sequence change replaces isoleucine, which is neutral and non-polar, with threonine, which is neutral and polar, at codon 292 of the IFT74 protein (p.Ile292Thr).